The following is an entry in ClinVar:

ClinVar aggregate classification (germline): Likely benign (1 of 4 stars; one submission).

Allele frequency attached by ClinVar (database versions not stated): ExAC 0.00060; ESP Exome Variant Server 0.00167; 1000 Genomes Project 0.00180; 1000 Genomes Project 30x 0.00187; gnomAD 0.00226 and 0.00244; TOPMed 0.00252.
gnomAD v4.1: 681 of 1,612,974 alleles (0.042%); highest among the groups gnomAD compares: African/African-American, 0.76%; 1 homozygote.

Submission:

GeneDx
Classification: Likely benign. Last evaluated: 2017-10-18. Review status: criteria provided, single submitter. Criteria: GeneDx Variant Classification (06012015). Collection method: clinical testing. Allele origin: germline. Affected: yes.
Comment: This variant is considered likely benign or benign based on one or more of the following criteria: it is a conservative change, it occurs at a poorly conserved position in the protein, it is predicted to be benign by multiple in silico algorithms, and/or has population frequency not consistent with disease.

NM_012335.4(MYO1F):c.1419G>A (p.Gly473=)

Gene: MYO1F (myosin IF; minus strand). Cytogenetic location: 19p13.2.
Variant type: single nucleotide variant.
Coding change: c.1419G>A on transcript NM_012335.4 (MANE Select); coding-DNA position 1419, G replaced by A.
Protein change: p.Gly473=; no amino-acid change (glycine 473 retained).
Molecular consequence: synonymous variant.
Genome position (GRCh38, 1-based): chr19:8,544,402, C>T on the plus strand (G>A on the coding strand, the complement: MYO1F is on the minus strand). VCF-style: chr19-8544402-C-T. GRCh37 (hg19) VCF-style: chr19-8609286-C-T.
Other names: c.1407G>A, p.Gly469= (NM_001348355.2).
Identifiers: ClinVar variation 512354 (VCV000512354.1), dbSNP rs200194968, ClinGen allele CA9159281.